The following is an entry in ClinVar:

ClinVar aggregate classification (germline): Uncertain significance. Review status: criteria provided, multiple submitters, no conflicts (2 of 4 stars). 4 submissions from 4 submitters: Uncertain significance (2). 2 of the submissions do not count toward it. Last evaluated 2025-06-15.

Conditions:
Bloom syndrome (BLM). Also called: Bloom-Torre-Machacek syndrome. Identifiers: Orphanet 125, MedGen C0005859, MONDO:0008876, OMIM 210900.
Hereditary cancer-predisposing syndrome. Also called: Neoplastic Syndromes, Hereditary; Tumor predisposition; Hereditary Cancer Syndrome; Hereditary neoplastic syndrome. Identifiers: Orphanet 140162, MedGen C0027672, MeSH D009386, MONDO:0015356.
BLM-related disorder. Also called: BLM-related condition.

Allele frequency attached by ClinVar (database versions not stated): ExAC 0.00001.

Submissions (4):

Labcorp Genetics (formerly Invitae), Labcorp
Classification: Uncertain significance for Bloom syndrome. Last evaluated: 2025-06-15. Review status: criteria provided, single submitter. Criteria: Invitae Variant Classification Sherloc (09022015). Collection method: clinical testing. Allele origin: germline.
Comment: This sequence change replaces proline, which is neutral and non-polar, with serine, which is neutral and polar, at codon 76 of the BLM protein (p.Pro76Ser). This variant is present in population databases (rs768843912, gnomAD 0.003%). This variant has not been reported in the literature in individuals affected with BLM-related conditions. ClinVar contains an entry for this variant (Variation ID: 485337). An algorithm developed to predict the effect of missense changes on protein structure and function outputs the following: PolyPhen-2: "Benign". The serine amino acid residue is found in multiple mammalian species, which suggests that this missense change does not adversely affect protein function. In summary, the available evidence is currently insufficient to determine the role of this variant in disease. Therefore, it has been classified as a Variant of Uncertain Significance.

Ambry Genetics
Classification: Uncertain significance for Hereditary cancer-predisposing syndrome. Last evaluated: 2023-04-07. Review status: criteria provided, single submitter. Criteria: Ambry Variant Classification Scheme 2023. Collection method: clinical testing. Allele origin: germline.
Comment: The p.P76S variant (also known as c.226C>T), located in coding exon 2 of the BLM gene, results from a C to T substitution at nucleotide position 226. The proline at codon 76 is replaced by serine, an amino acid with similar properties. This amino acid position is not well conserved in available vertebrate species. In addition, this alteration is predicted to be tolerated by in silico analysis. Since supporting evidence is limited at this time, the clinical significance of this alteration remains unclear.

PreventionGenetics, part of Exact Sciences
Classification: Uncertain significance for BLM-related condition. Last evaluated: 2023-12-20. Review status: no assertion criteria provided. Collection method: clinical testing. Allele origin: germline. Not counted in ClinVar's aggregate classification.
Comment: The BLM c.226C>T variant is predicted to result in the amino acid substitution p.Pro76Ser. To our knowledge, this variant has not been reported in the literature. This variant is reported in 0.0033% of alleles in individuals of South Asian descent in gnomAD. In ClinVar, this variant is interpreted as uncertain. At this time, the clinical significance of this variant is uncertain due to the absence of conclusive functional and genetic evidence.

Natera, Inc.
Classification: Uncertain significance for Bloom syndrome. Last evaluated: 2020-10-28. Review status: no assertion criteria provided. Collection method: clinical testing. Allele origin: germline. Not counted in ClinVar's aggregate classification.

NM_000057.4(BLM):c.226C>T (p.Pro76Ser)

Gene: BLM (BLM RecQ like helicase; plus strand). Cytogenetic location: 15q26.1.
Variant type: single nucleotide variant.
Coding change: c.226C>T on transcript NM_000057.4 (MANE Select); coding-DNA position 226, C replaced by T.
Protein change: p.Pro76Ser; replaces proline 76 with serine.
Molecular consequence: missense variant. On other transcripts: 5 prime UTR variant (1).
Genome position (GRCh38, 1-based): chr15:90,749,494, C>T. VCF-style: chr15-90749494-C-T. GRCh37 (hg19) VCF-style: chr15-91292724-C-T.
Other names: c.226C>T (LRG_20t1); c.226C>T, p.Pro76Ser (NM_001287246.2, NM_001287247.2); c.-1066C>T (NM_001287248.2); short protein forms P76S.
Identifiers: ClinVar variation 485337 (VCV000485337.20), dbSNP rs768843912, ClinGen allele CA7738263.